The following is an entry in ClinVar:

ClinVar aggregate classification (germline): Uncertain significance (1 of 4 stars; one submission).

Submission:

Ambry Genetics
Classification: Uncertain significance. Last evaluated: 2026-03-20. Review status: criteria provided, single submitter. Criteria: Ambry Variant Classification Scheme 2023. Collection method: clinical testing. Allele origin: germline.
Comment: The p.H717Y variant (also known as c.2149C>T), located in coding exon 1 of the TET2 gene, results from a C to T substitution at nucleotide position 2149. The histidine at codon 717 is replaced by tyrosine, an amino acid with similar properties. This amino acid position is conserved. In addition, this alteration is predicted to be tolerated by in silico analysis. Based on the available evidence, the clinical significance of this variant remains unclear.

NM_001127208.3(TET2):c.2149C>T (p.His717Tyr)

Genes: TET2 (tet methylcytosine dioxygenase 2; plus strand), TET2-AS1 (TET2 antisense RNA 1; minus strand). Cytogenetic location: 4q24.
Variant type: single nucleotide variant.
Coding change: c.2149C>T on transcript NM_001127208.3 (MANE Select); coding-DNA position 2149, C replaced by T.
Protein change: p.His717Tyr; replaces histidine 717 with tyrosine.
Molecular consequence: missense variant.
Genome position (GRCh38, 1-based): chr4:105,236,091, C>T. VCF-style: chr4-105236091-C-T. GRCh37 (hg19) VCF-style: chr4-106157248-C-T.
Other names: c.2149C>T, p.His717Tyr (NM_017628.4); short protein forms H717Y.
Identifiers: ClinVar variation 4865501 (VCV004865501.1).